The following is an entry in ClinVar:

NM_000444.6(PHEX):c.2070+5G>C

Genes: PHEX (phosphate regulating endopeptidase X-linked; plus strand), PTCHD1-AS (PTCHD1 and PHEX antisense RNA; minus strand). Cytogenetic location: Xp22.11.
Variant type: single nucleotide variant.
Coding change: c.2070+5G>C on transcript NM_000444.6 (MANE Select); 5 bases into the intron after coding-DNA position 2070, G replaced by C.
Molecular consequence: intron variant. On other transcripts: non-coding transcript variant (1).
Genome position (GRCh38, 1-based): chrX:22,227,616, G>C. VCF-style: chrX-22227616-G-C. GRCh37 (hg19) VCF-style: chrX-22245733-G-C.
Other names: c.2070+5G>C (NM_001282754.2).
Identifiers: ClinVar variation 372463 (VCV000372463.8), dbSNP rs1057517797, ClinGen allele CA16043265.

ClinVar aggregate classification (germline): Conflicting classifications of pathogenicity. Review status: criteria provided, conflicting classifications (1 of 4 stars). 2 submissions from 2 submitters: Likely pathogenic (1); Uncertain significance (1). Last evaluated 2021-08-24.

Submissions (2):

Labcorp Genetics (formerly Invitae), Labcorp
Classification: Uncertain significance. Last evaluated: 2021-08-24. Review status: criteria provided, single submitter. Criteria: Invitae Variant Classification Sherloc (09022015). Collection method: clinical testing. Allele origin: germline.
Comment: In summary, the available evidence is currently insufficient to determine the role of this variant in disease. Therefore, it has been classified as a Variant of Uncertain Significance. Variants that disrupt the consensus splice site are a relatively common cause of aberrant splicing (PMID: 17576681, 9536098). Algorithms developed to predict the effect of sequence changes on RNA splicing suggest that this variant may disrupt the consensus splice site. ClinVar contains an entry for this variant (Variation ID: 372463). This variant has been observed in individual(s) with PHEX-related conditions (Invitae). This variant is not present in population databases (ExAC no frequency). This sequence change falls in intron 20 of the PHEX gene. It does not directly change the encoded amino acid sequence of the PHEX protein. It affects a nucleotide within the consensus splice site of the intron.

GeneDx
Classification: Likely pathogenic. Last evaluated: 2016-06-10. Review status: criteria provided, single submitter. Criteria: GeneDx Variant Classification (06012015). Collection method: clinical testing. Allele origin: germline. Affected: yes.
Comment: The c.2070+5 variant has not been published as a pathogenic variant, nor has it been reported as abenign variant to our knowledge. It was not observed in approximately 6,500 individuals of Europeanand African American ancestry in the NHLBI Exome Sequencing Project, indicating it is not acommon benign variant in these populations. Several in-silico splice prediction models predict thatc.2070+5 G>C destroys the natural splice donor site for exon 20, which may lead to abnormal genesplicing. However, in the absence of RNA/functional studies, the actual effect of this sequence changeis unknown. Therefore, this variant is likely pathogenic; however, the possibility thatit is benign cannot be excluded.

Literature cited by the submitters: PubMed 17576681 (cited by Labcorp Genetics (formerly Invitae), Labcorp); PubMed 9536098 (cited by Labcorp Genetics (formerly Invitae), Labcorp).